The following is an entry in ClinVar:

NM_001457.4(FLNB):c.6692A>G (p.Glu2231Gly)

Gene: FLNB (filamin B; plus strand). Cytogenetic location: 3p14.3.
Variant type: single nucleotide variant.
Coding change: c.6692A>G on transcript NM_001457.4 (MANE Select); coding-DNA position 6692, A replaced by G.
Protein change: p.Glu2231Gly; replaces glutamic acid 2231 with glycine.
Molecular consequence: missense variant.
Genome position (GRCh38, 1-based): chr3:58,154,848, A>G. VCF-style: chr3-58154848-A-G. GRCh37 (hg19) VCF-style: chr3-58140575-A-G.
Other names: c.6785A>G, p.Glu2262Gly (NM_001164317.2); c.6659A>G, p.Glu2220Gly (NM_001164318.2); c.6620A>G, p.Glu2207Gly (NM_001164319.2); short protein forms E2220G, E2262G, E2207G, E2231G.
Identifiers: ClinVar variation 3635752 (VCV003635752.2).
Genomic context (GRCh38, chr3:58,154,848, plus strand): 5'-CAGCTGAGTTCAGCATTTGGACCCGGGAAGCAGGCGCTGGAGGCCTCTCCATCGCTGTTG[A>G]GGGCCCCAGTAAGGCCGAGATTACATTCGATGACCATAAAAATGGGTCGTGCGGTGTATC-3'
Protein context (NP_001448.2, residues 2221-2241): AGAGGLSIAV[Glu2231Gly]GPSKAEITFD

ClinVar aggregate classification (germline): Uncertain significance (1 of 4 stars; one submission).

Submission:

Labcorp Genetics (formerly Invitae), Labcorp
Classification: Uncertain significance. Last evaluated: 2024-04-22. Review status: criteria provided, single submitter. Criteria: Invitae Variant Classification Sherloc (09022015). Collection method: clinical testing. Allele origin: germline.
Comment: This sequence change replaces glutamic acid, which is acidic and polar, with glycine, which is neutral and non-polar, at codon 2231 of the FLNB protein (p.Glu2231Gly). This variant is not present in population databases (gnomAD no frequency). This variant has not been reported in the literature in individuals affected with FLNB-related conditions. Advanced modeling of protein sequence and biophysical properties (such as structural, functional, and spatial information, amino acid conservation, physicochemical variation, residue mobility, and thermodynamic stability) performed at Invitae indicates that this missense variant is not expected to disrupt FLNB protein function with a negative predictive value of 95%. In summary, the available evidence is currently insufficient to determine the role of this variant in disease. Therefore, it has been classified as a Variant of Uncertain Significance.